The following is an entry in ClinVar:

NM_030777.4(SLC2A10):c.212G>T (p.Cys71Phe)

Gene: SLC2A10 (solute carrier family 2 member 10; plus strand). Cytogenetic location: 20q13.12.
Variant type: single nucleotide variant.
Coding change: c.212G>T on transcript NM_030777.4 (MANE Select); coding-DNA position 212, G replaced by T.
Protein change: p.Cys71Phe; replaces cysteine 71 with phenylalanine.
Molecular consequence: missense variant.
Genome position (GRCh38, 1-based): chr20:46,725,248, G>T. VCF-style: chr20-46725248-G-T. GRCh37 (hg19) VCF-style: chr20-45353887-G-T.
Other names: short protein forms C71F.
Identifiers: ClinVar variation 451482 (VCV000451482.6), dbSNP rs377305511, ClinGen allele CA9891930.

ClinVar aggregate classification (germline): Uncertain significance. Review status: criteria provided, multiple submitters, no conflicts (2 of 4 stars). 2 submissions from 2 submitters: Uncertain significance (2). Last evaluated 2025-07-03.

Conditions:
Familial thoracic aortic aneurysm and aortic dissection (TAAD). Also called: Thoracic aortic aneurysms and dissections. Identifiers: Orphanet 91387, MedGen C4707243, MONDO:0019625.

Allele frequency attached by ClinVar (database versions not stated): gnomAD exomes below 0.00001 and 0.00002; ExAC 0.00004; gnomAD 0.00006 and 0.00007; ESP Exome Variant Server 0.00008; TOPMed 0.00008; 1000 Genomes Project 0.00020; 1000 Genomes Project 30x 0.00031.
gnomAD v4.1: 19 of 1,614,182 alleles (0.0012%); highest among the groups gnomAD compares: African/African-American, 0.021%; no homozygotes.

Submissions (2):

Ambry Genetics
Classification: Uncertain significance for Familial thoracic aortic aneurysm and aortic dissection. Last evaluated: 2025-07-03. Review status: criteria provided, single submitter. Criteria: Ambry Variant Classification Scheme 2023. Collection method: clinical testing. Allele origin: germline.
Comment: The p.C71F variant (also known as c.212G>T), located in coding exon 2 of the SLC2A10 gene, results from a G to T substitution at nucleotide position 212. The cysteine at codon 71 is replaced by phenylalanine, an amino acid with highly dissimilar properties. This amino acid position is poorly conserved in available vertebrate species. In addition, this alteration is predicted to be tolerated by in silico analysis. Since supporting evidence is limited at this time, the clinical significance of this alteration remains unclear.

GeneDx
Classification: Uncertain significance. Last evaluated: 2024-07-30. Review status: criteria provided, single submitter. Criteria: GeneDx Variant Classification Process June 2021. Collection method: clinical testing. Allele origin: germline. Affected: yes.
Comment: In silico analysis indicates that this missense variant does not alter protein structure/function; Has not been previously published as pathogenic or benign to our knowledge